The following is an entry in ClinVar:

NM_153607.3(CREBRF):c.894A>G (p.Leu298=)

Gene: CREBRF (CREB3 regulatory factor; plus strand). Cytogenetic location: 5q35.1.
Variant type: single nucleotide variant.
Coding change: c.894A>G on transcript NM_153607.3 (MANE Select); coding-DNA position 894, A replaced by G.
Protein change: p.Leu298=; no amino-acid change (leucine 298 retained).
Molecular consequence: synonymous variant.
Genome position (GRCh38, 1-based): chr5:173,091,073, A>G. VCF-style: chr5-173091073-A-G. GRCh37 (hg19) VCF-style: chr5-172518076-A-G.
Other names: c.894A>G, p.Leu298= (NM_001168393.2, NM_001168394.2).
Identifiers: ClinVar variation 3027010 (VCV003027010.22), dbSNP rs1758319318, ClinGen allele CA447974482.
Genomic context (GRCh38, chr5:173,091,073, plus strand): 5'-GATGGAGCCTCTTCAAGGTCATGCCACTCCCGCTTTGCCTTTTAAAGAAACCCAGGAACT[A>G]TTACTAAGTCCCCTGCCCCAGGAAGGTCCTGGGTCACTTGCAGCAGGAGAGAGCAGCAGT-3'
Protein context (NP_705835.2, residues 288-308): PALPFKETQE[Leu298=]LLSPLPQEGP

ClinVar aggregate classification (germline): Likely benign (1 of 4 stars; one submission).

Allele frequency attached by ClinVar (database versions not stated): gnomAD exomes below 0.00001; TOPMed below 0.00001.
gnomAD v4.1: 1 of 1,614,178 alleles (0.000062%); highest among the groups gnomAD compares: Non-Finnish European, 0.000085%; no homozygotes.

Submission:

CeGaT Center for Human Genetics Tuebingen
Classification: Likely benign. Last evaluated: 2024-01-01. Review status: criteria provided, single submitter. Criteria: CeGaT Center For Human Genetics Tuebingen Variant Classification Criteria Version 2. Collection method: clinical testing. Allele origin: germline. Affected: yes. Observed: 1 variant allele.
Comment: CREBRF: PM2:Supporting, BP4, BP7